The following is an entry in ClinVar:

NM_004606.5(TAF1):c.2530C>T (p.Arg844Trp)

Gene: TAF1 (TATA-box binding protein associated factor 1; plus strand). Cytogenetic location: Xq13.1.
Variant type: single nucleotide variant.
Coding change: c.2530C>T on transcript NM_004606.5 (MANE Select); coding-DNA position 2530, C replaced by T.
Protein change: p.Arg844Trp; replaces arginine 844 with tryptophan.
Molecular consequence: missense variant. On other transcripts: non-coding transcript variant (9).
Genome position (GRCh38, 1-based): chrX:71,388,339, C>T. VCF-style: chrX-71388339-C-T. GRCh37 (hg19) VCF-style: chrX-70608189-C-T.
Other names: c.2530C>T, p.Arg844Trp (NM_001286074.2); c.2467C>T, p.Arg823Trp (NM_138923.4); short protein forms R823W, R844W.
Identifiers: ClinVar variation 995989 (VCV000995989.5), dbSNP rs2034364118, ClinGen allele CA413521095.
Genomic context (GRCh38, chrX:71,388,339, plus strand): 5'-CGGAGGATACGAATGGAAGATATAAAAAAAGCCTTTCCTTCCCATTCAGAAAGCAGCATC[C>T]GGAAGAGGCTAAAGCTCTGCGCTGACTTCAAACGCACAGGTCGTCTGTTGTGACTAGTTA-3'
Protein context (NP_004597.3, residues 834-854): AFPSHSESSI[Arg844Trp]KRLKLCADFK

ClinVar aggregate classification (germline): Conflicting classifications of pathogenicity. Review status: criteria provided, conflicting classifications (1 of 4 stars). 2 submissions from 2 submitters: Likely pathogenic (1); Uncertain significance (1). Last evaluated 2024-05-06.

Conditions:
Intellectual developmental disorder, X-linked, syndromic 33. Also called: X-linked intellectual disability-global development delay-facial dysmorphism-sacral caudal remnant syndrome; Intellectual disability, X-linked, syndromic 33. Identifiers: Orphanet 480907, MedGen C4225418, MONDO:0010500, OMIM 300966.

Submissions (2):

Labcorp Genetics (formerly Invitae), Labcorp
Classification: Uncertain significance. Last evaluated: 2024-05-06. Review status: criteria provided, single submitter. Criteria: Invitae Variant Classification Sherloc (09022015). Collection method: clinical testing. Allele origin: germline.
Comment: This sequence change replaces arginine, which is basic and polar, with tryptophan, which is neutral and slightly polar, at codon 864 of the TAF1 protein (p.Arg864Trp). This variant is not present in population databases (gnomAD no frequency). This variant has not been reported in the literature in individuals affected with TAF1-related conditions. ClinVar contains an entry for this variant (Variation ID: 995989). An algorithm developed to predict the effect of missense changes on protein structure and function (PolyPhen-2) suggests that this variant is likely to be disruptive. Algorithms developed to predict the effect of sequence changes on RNA splicing suggest that this variant may disrupt the consensus splice site. In summary, the available evidence is currently insufficient to determine the role of this variant in disease. Therefore, it has been classified as a Variant of Uncertain Significance.

Institute of Human Genetics, University of Leipzig Medical Center
Classification: Likely pathogenic for Intellectual developmental disorder, X-linked, syndromic 33. Last evaluated: 2020-11-16. Review status: criteria provided, single submitter. Criteria: ACMG Guidelines, 2015. Collection method: clinical testing. Allele origin: maternal. Inheritance: X-linked recessive inheritance. Affected: yes.
Comment: We identified the variant c.2590C>T, p.Arg864Trp in the gene TAF1 in hemizygous state. Thus the variant segregates with the disease in this family. The gnomAD z score of 5.49 for this gene is indicative of it being relatively intolerant to missense variation. The variant allele was not identified in control chromosomes (gnomAD). The in silico tools we use mostly assess the change as pathogenic. Based on the evidence outlined above, the variant was classified as likely pathogenic according to the ACMG classification system (Richards et al., 2015, PMID: 25741868). PM2, PP1_Moderate, PP2, PP3